The following is an entry in ClinVar:

NM_001110556.2(FLNA):c.4852A>G (p.Ile1618Val)

Gene: FLNA (filamin A; minus strand). Cytogenetic location: Xq28.
Variant type: single nucleotide variant.
Coding change: c.4852A>G on transcript NM_001110556.2 (MANE Select); coding-DNA position 4852, A replaced by G.
Protein change: p.Ile1618Val; replaces isoleucine 1618 with valine.
Molecular consequence: missense variant.
Genome position (GRCh38, 1-based): chrX:154,357,527, T>C on the plus strand (A>G on the coding strand, the complement: FLNA is on the minus strand). VCF-style: chrX-154357527-T-C. GRCh37 (hg19) VCF-style: chrX-153585895-T-C.
Other names: c.4852A>G, p.Ile1618Val (NM_001456.4); short protein forms I1618V.
Identifiers: ClinVar variation 2933849 (VCV002933849.3), dbSNP rs2522733464, ClinGen allele CA415213966.
Genomic context (GRCh38, chrX:154,357,527, plus strand): 5'-GCACGGCACGCACGCGGTACGGGGAGAAGGGGATCTCGTCACCACCGTACTTGATGAGGA[T>C]GGTGTAGCGACCTGTCACGTCTGGCACGTAGGCCACTGTATACGTGCCGTCATGGTTGTC-3'
Protein context (NP_001104026.1, residues 1608-1628): YVPDVTGRYT[Ile1618Val]LIKYGGDEIP

ClinVar aggregate classification (germline): Uncertain significance (1 of 4 stars; one submission).

Conditions:
Oto-palato-digital syndrome, type II (OPD2). Also called: FACIOPALATOOSSEOUS SYNDROME; OPD II SYNDROME; Otopalatodigital Syndrome, Type II; Otopalatodigital Syndrome Type 2 (FLNA-OPD2). Identifiers: Orphanet 669, Orphanet 90652, MedGen C1844696, MONDO:0010571, OMIM 304120.
Heterotopia, periventricular, X-linked dominant (PVNH1). Also called: PERIVENTRICULAR NODULAR HETEROTOPIA 1; X-linked periventricular heterotopia; PERIVENTRICULAR NODULAR HETEROTOPIA 4; HETEROTOPIA, PERIVENTRICULAR, 1. Identifiers: Orphanet 2149, Orphanet 82004, MedGen C1848213, MONDO:0010233, OMIM 300049.
Frontometaphyseal dysplasia (FMD1). Identifiers: Orphanet 1826, MedGen C0265293, MONDO:0015942.
Melnick-Needles syndrome (MNS). Also called: MELNICK-NEEDLES OSTEODYSPLASTY; OSTEODYSPLASTY OF MELNICK AND NEEDLES; Melnick-Needles Syndrome (FLNA-MNS). Identifiers: Orphanet 2484, MedGen C0025237, MONDO:0010650, OMIM 309350.

Allele frequency attached by ClinVar (database versions not stated): gnomAD exomes below 0.00001.
gnomAD v4.1: 1 of 1,210,073 alleles (0.000083%); highest among the groups gnomAD compares: Non-Finnish European, 0.00011%; no homozygotes.

Submission:

Labcorp Genetics (formerly Invitae), Labcorp
Classification: Uncertain significance for Oto-palato-digital syndrome, type II; Heterotopia, periventricular, X-linked dominant; Frontometaphyseal dysplasia; Melnick-Needles syndrome. Last evaluated: 2023-08-11. Review status: criteria provided, single submitter. Criteria: Invitae Variant Classification Sherloc (09022015). Collection method: clinical testing. Allele origin: germline.
Comment: This sequence change replaces isoleucine, which is neutral and non-polar, with valine, which is neutral and non-polar, at codon 1618 of the FLNA protein (p.Ile1618Val). This variant is not present in population databases (gnomAD no frequency). In summary, the available evidence is currently insufficient to determine the role of this variant in disease. Therefore, it has been classified as a Variant of Uncertain Significance. Advanced modeling of protein sequence and biophysical properties (such as structural, functional, and spatial information, amino acid conservation, physicochemical variation, residue mobility, and thermodynamic stability) performed at Invitae indicates that this missense variant is not expected to disrupt FLNA protein function. This variant has not been reported in the literature in individuals affected with FLNA-related conditions.